The following is an entry in ClinVar:

NM_213599.3(ANO5):c.1311G>C (p.Arg437Ser)

Gene: ANO5 (anoctamin 5; plus strand). Cytogenetic location: 11p14.3.
Variant type: single nucleotide variant.
Coding change: c.1311G>C on transcript NM_213599.3 (MANE Select); coding-DNA position 1311, G replaced by C.
Protein change: p.Arg437Ser; replaces arginine 437 with serine.
Molecular consequence: missense variant.
Genome position (GRCh38, 1-based): chr11:22,255,501, G>C. VCF-style: chr11-22255501-G-C. GRCh37 (hg19) VCF-style: chr11-22277047-G-C.
Other names: c.1308G>C, p.Arg436Ser (NM_001142649.2); c.1269G>C, p.Arg423Ser (NM_001410963.1); c.1266G>C, p.Arg422Ser (NM_001410964.1); short protein forms R423S, R437S, R422S, R436S.
Identifiers: ClinVar variation 2949222 (VCV002949222.3), dbSNP rs2494286554, ClinGen allele CA379921647.
Genomic context (GRCh38, chr11:22,255,501, plus strand): 5'-TGAAGAGGAACAGCAGCAGCTTCAGCTGAGACCAGAATTTGAAGCTATGTGTAAACACAG[G>C]AAATTGAATGCAGTGACTAAGGTAGACTAGAAAACTGTGAAACGGACAGCATATCTCAAT-3'
Protein context (NP_998764.1, residues 427-447): RPEFEAMCKH[Arg437Ser]KLNAVTKEME

ClinVar aggregate classification (germline): Uncertain significance (1 of 4 stars; one submission).

Conditions:
Gnathodiaphyseal dysplasia (GDD). Also called: GNATHODIAPHYSEAL SCLEROSIS; OSTEOGENESIS IMPERFECTA WITH UNUSUAL SKELETAL LESIONS. Identifiers: Orphanet 53697, MedGen C1833736, MONDO:0008151, OMIM 166260.
Autosomal recessive limb-girdle muscular dystrophy type 2L (LGMDR12). Also called: MUSCULAR DYSTROPHY, LIMB-GIRDLE, AUTOSOMAL RECESSIVE 12; Limb-girdle muscular dystrophy, type 2L; Limb-Girdle Muscular Dystrophy R12 Anoctamin-5-Related (LGMD-R12). Identifiers: Orphanet 206549, MedGen C1969785, MONDO:0012652, OMIM 611307.

gnomAD v4.1: 4 of 1,613,422 alleles (0.00025%); highest among the groups gnomAD compares: Non-Finnish European, 0.00034%; no homozygotes.

Submission:

Labcorp Genetics (formerly Invitae), Labcorp
Classification: Uncertain significance for Autosomal recessive limb-girdle muscular dystrophy type 2L; Gnathodiaphyseal dysplasia. Last evaluated: 2025-10-08. Review status: criteria provided, single submitter. Criteria: Invitae Variant Classification Sherloc (09022015). Collection method: clinical testing. Allele origin: germline.
Comment: This sequence change replaces arginine, which is basic and polar, with serine, which is neutral and polar, at codon 437 of the ANO5 protein (p.Arg437Ser). This variant is not present in population databases (gnomAD no frequency). This variant has not been reported in the literature in individuals affected with ANO5-related conditions. ClinVar contains an entry for this variant (Variation ID: 2949222). Invitae Evidence Modeling of protein sequence and biophysical properties (such as structural, functional, and spatial information, amino acid conservation, physicochemical variation, residue mobility, and thermodynamic stability) has been performed for this missense variant. However, the output from this modeling did not meet the statistical confidence thresholds required to predict the impact of this variant on ANO5 protein function. In summary, the available evidence is currently insufficient to determine the role of this variant in disease. Therefore, it has been classified as a Variant of Uncertain Significance.